The following is an entry in ClinVar:

ClinVar aggregate classification (germline): Pathogenic (1 of 4 stars; one submission).

Conditions:
Gastrointestinal stromal tumor. Also called: Gastrointestinal stromal tumor, somatic; Gastrointestinal stroma tumor. Identifiers: Orphanet 44890, MedGen C0238198, MeSH D046152, MONDO:0011719, OMIM 606764, HP:0100723.

Submission:

Labcorp Genetics (formerly Invitae), Labcorp
Classification: Pathogenic for Gastrointestinal stroma tumor. Last evaluated: 2018-01-26. Review status: criteria provided, single submitter. Criteria: Invitae Variant Classification Sherloc (09022015). Collection method: clinical testing. Allele origin: germline.
Comment: A gross deletion of the genomic region encompassing the full coding sequence of the KIT gene has been identified. The boundaries of this event are unknown as the deletion extends beyond the assayed region for this gene and therefore may encompass additional genes. This variant has been reported in individuals affected with piebaldism (PMID: 1720553, 7529964, 1279971). Loss-of-function variants in KIT are known to be pathogenic (PMID: 15194144). For these reasons, this variant has been classified as Pathogenic.

Literature cited by the submitters: PubMed 1720553; PubMed 1279971; PubMed 7529964.

NC_000004.11:g.(?_55524176)_(55604729_?)del

Gene: KIT (KIT proto-oncogene, receptor tyrosine kinase; plus strand). Cytogenetic location: 4q12.
Variant type: Deletion.
Identifiers: ClinVar variation 583798 (VCV000583798.1).